The following is an entry in ClinVar:

NM_205836.3(FBXO38):c.2521G>T (p.Ala841Ser)

Gene: FBXO38 (F-box protein 38; plus strand). Cytogenetic location: 5q32.
Variant type: single nucleotide variant.
Coding change: c.2521G>T on transcript NM_205836.3 (MANE Select); coding-DNA position 2521, G replaced by T.
Protein change: p.Ala841Ser; replaces alanine 841 with serine.
Molecular consequence: missense variant. On other transcripts: intron variant (2).
Genome position (GRCh38, 1-based): chr5:148,427,815, G>T. VCF-style: chr5-148427815-G-T. GRCh37 (hg19) VCF-style: chr5-147807378-G-T.
Other names: c.2428+93G>T (NM_030793.5); c.1918+2114G>T (NM_001271723.2); short protein forms A841S.
Identifiers: ClinVar variation 4994604 (VCV004994604.1).

ClinVar aggregate classification (germline): Uncertain significance (1 of 4 stars; one submission).

Conditions:
FBXO38-related disorder. Also called: FBXO38-related condition.

gnomAD v4.1: 2 of 1,608,280 alleles (0.00012%); highest among the groups gnomAD compares: Non-Finnish European, 0.00017%; no homozygotes.

Submission:

PreventionGenetics, part of Exact Sciences
Classification: Uncertain significance for FBXO38-related condition. Last evaluated: 2026-03-10. Review status: criteria provided, single submitter. Criteria: ACMG Guidelines, 2015. Collection method: clinical testing. Allele origin: germline.
Comment: The FBXO38 c.2521G>T variant is predicted to result in the amino acid substitution p.Ala841Ser. On an alternate transcript, this is an intronic variant (NM_030793.4, c.2428+93G>T) which is predicted to alter splicing based on available splicing prediction programs (SpliceAI, Jaganathan et al. 2019. PubMed ID: 30661751). However, the use of computer prediction programs is not equivalent to functional evidence. To our knowledge, this variant has not been reported in the literature. This variant is absent from a large population database (gnomAD), although quality metrics indicate the data quality may be low at this site and therefore allele frequencies should be interpreted with caution. At this time, the clinical significance of this variant is uncertain due to the absence of conclusive functional and genetic evidence.